The following is an entry in ClinVar:

NM_005458.8(GABBR2):c.977A>G (p.Gln326Arg)

Gene: GABBR2 (gamma-aminobutyric acid type B receptor subunit 2; minus strand). Cytogenetic location: 9q22.33.
Variant type: single nucleotide variant.
Coding change: c.977A>G on transcript NM_005458.8 (MANE Select); coding-DNA position 977, A replaced by G.
Protein change: p.Gln326Arg; replaces glutamine 326 with arginine.
Molecular consequence: missense variant.
Genome position (GRCh38, 1-based): chr9:98,473,168, T>C on the plus strand (A>G on the coding strand, the complement: GABBR2 is on the minus strand). VCF-style: chr9-98473168-T-C. GRCh37 (hg19) VCF-style: chr9-101235450-T-C.
Other names: short protein forms Q326R.
Identifiers: ClinVar variation 2824785 (VCV002824785.3), dbSNP rs2491670026, ClinGen allele CA374351277.

ClinVar aggregate classification (germline): Uncertain significance (1 of 4 stars; one submission).

Conditions:
Epileptic encephalopathy. Identifiers: MedGen C0543888, HP:0200134.

Allele frequency attached by ClinVar (database versions not stated): gnomAD exomes below 0.00001.
gnomAD v4.1: 1 of 1,613,854 alleles (0.000062%); highest among the groups gnomAD compares: East Asian, 0.0022%; no homozygotes.

Submission:

Labcorp Genetics (formerly Invitae), Labcorp
Classification: Uncertain significance for Epileptic encephalopathy. Last evaluated: 2023-06-29. Review status: criteria provided, single submitter. Criteria: Invitae Variant Classification Sherloc (09022015). Collection method: clinical testing. Allele origin: germline.
Comment: In summary, the available evidence is currently insufficient to determine the role of this variant in disease. Therefore, it has been classified as a Variant of Uncertain Significance. Advanced modeling of protein sequence and biophysical properties (such as structural, functional, and spatial information, amino acid conservation, physicochemical variation, residue mobility, and thermodynamic stability) performed at Invitae indicates that this missense variant is not expected to disrupt GABBR2 protein function. This variant has not been reported in the literature in individuals affected with GABBR2-related conditions. This variant is not present in population databases (gnomAD no frequency). This sequence change replaces glutamine, which is neutral and polar, with arginine, which is basic and polar, at codon 326 of the GABBR2 protein (p.Gln326Arg).